The following is an entry in ClinVar:

ClinVar aggregate classification (germline): Uncertain significance (1 of 4 stars; one submission).

Conditions:
Encephalopathy, acute, infection-induced (herpes-specific), susceptibility to, 1. Also called: Herpes simplex encephalitis, susceptibility to, 1. Identifiers: Orphanet 1930, MedGen C2750180, MONDO:0024563, OMIM 610551.

Allele frequency attached by ClinVar (database versions not stated): gnomAD exomes 0.00001; TOPMed below 0.00001.
gnomAD v4.1: 10 of 1,522,282 alleles (0.00066%); highest among the groups gnomAD compares: Non-Finnish European, 0.00079%; no homozygotes.

Submission:

Labcorp Genetics (formerly Invitae), Labcorp
Classification: Uncertain significance for Encephalopathy, acute, infection-induced (herpes-specific), susceptibility to, 1. Last evaluated: 2025-01-13. Review status: criteria provided, single submitter. Criteria: Invitae Variant Classification Sherloc (09022015). Collection method: clinical testing. Allele origin: germline.
Comment: This sequence change falls in intron 2 of the UNC93B1 gene. It does not directly change the encoded amino acid sequence of the UNC93B1 protein. It affects a nucleotide within the consensus splice site. This variant is not present in population databases (gnomAD no frequency). This variant has not been reported in the literature in individuals affected with UNC93B1-related conditions. ClinVar contains an entry for this variant (Variation ID: 1434667). Variants that disrupt the consensus splice site are a relatively common cause of aberrant splicing (PMID: 17576681, 9536098). Algorithms developed to predict the effect of sequence changes on RNA splicing suggest that this variant is not likely to affect RNA splicing. In summary, the available evidence is currently insufficient to determine the role of this variant in disease. Therefore, it has been classified as a Variant of Uncertain Significance.

Literature cited by the submitters: PubMed 17576681; PubMed 9536098.

NM_030930.4(UNC93B1):c.238+4G>T

Genes: UNC93B1 (unc-93B1 regulator of TLR signaling; minus strand), LOC130006235 (ATAC-STARR-seq lymphoblastoid silent region 3653; plus strand). Cytogenetic location: 11q13.2.
Variant type: single nucleotide variant.
Coding change: c.238+4G>T on transcript NM_030930.4 (MANE Select); 4 bases into the intron after coding-DNA position 238, G replaced by T.
Molecular consequence: intron variant.
Genome position (GRCh38, 1-based): chr11:68,003,653, C>A on the plus strand (G>T on the coding strand, the complement: UNC93B1 is on the minus strand). VCF-style: chr11-68003653-C-A. GRCh37 (hg19) VCF-style: chr11-67771123-C-A.
Identifiers: ClinVar variation 1434667 (VCV001434667.5), dbSNP rs1324720845, ClinGen allele CA600238102.
Genomic context (GRCh38, chr11:68,003,653, plus strand): 5'-TTTCTGTTTCCCGGGCCGGGCTGGGAGCGGGCGGGGCGGCCCCGGGTCCCCGAGCGGCAC[C>A]TACCCAGGTAGACGCCGTAGGTGAGCATGCCCCCGGCGCTGGCAGCCAGCACGTTCTTGA-3'